The following is an entry in ClinVar:

NM_001042492.3(NF1):c.3966T>A (p.Asp1322Glu)

Gene: NF1 (neurofibromin 1; plus strand). Cytogenetic location: 17q11.2.
Variant type: single nucleotide variant.
Coding change: c.3966T>A on transcript NM_001042492.3 (MANE Select); coding-DNA position 3966, T replaced by A.
Protein change: p.Asp1322Glu; replaces aspartic acid 1322 with glutamic acid.
Molecular consequence: missense variant.
Genome position (GRCh38, 1-based): chr17:31,236,013, T>A. VCF-style: chr17-31236013-T-A. GRCh37 (hg19) VCF-style: chr17-29563031-T-A.
Other names: c.3966T>A, p.Asp1322Glu (NM_000267.4); short protein forms D1322E.
Identifiers: ClinVar variation 3237760 (VCV003237760.2), dbSNP rs1178651832.
Genomic context (GRCh38, chr17:31,236,013, plus strand): 5'-TCCTTTATTACGAATTGTGATCACATCCTCTGATTGGCAACATGTTAGCTTTGAAGTGGA[T>A]CCTACCAGGTTTGTCATCTTTTCACATAGAACCGCTGTTTTTTGTTTTTTTTTTTTTGTT-3'
Protein context (NP_001035957.1, residues 1312-1332): SDWQHVSFEV[Asp1322Glu]PTRLEPSESL

ClinVar aggregate classification (germline): Uncertain significance. Review status: criteria provided, multiple submitters, no conflicts (2 of 4 stars). 2 submissions from 2 submitters: Uncertain significance (2). Last evaluated 2024-09-30.

Conditions:
Hereditary cancer-predisposing syndrome. Also called: Neoplastic Syndromes, Hereditary; Tumor predisposition; Hereditary neoplastic syndrome; Hereditary Cancer Syndrome. Identifiers: Orphanet 140162, MedGen C0027672, MeSH D009386, MONDO:0015356.
Cardiovascular phenotype. Identifiers: MedGen CN230736.

Allele frequency attached by ClinVar (database versions not stated): gnomAD exomes below 0.00001.
gnomAD v4.1: 1 of 1,612,956 alleles (0.000062%); highest among the groups gnomAD compares: Non-Finnish European, 0.000085%; no homozygotes.

Submissions (2):

GeneDx
Classification: Uncertain significance. Last evaluated: 2024-09-30. Review status: criteria provided, single submitter. Criteria: GeneDx Variant Classification Process June 2021. Collection method: clinical testing. Allele origin: germline. Affected: yes.
Comment: Not observed at significant frequency in large population cohorts (gnomAD); In silico analysis supports that this missense variant has a deleterious effect on protein structure/function; Has not been previously published as pathogenic or benign to our knowledge; This variant is associated with the following publications: (PMID: 25486365, 22807134)

Ambry Genetics
Classification: Uncertain significance for Cardiovascular phenotype; Hereditary cancer-predisposing syndrome. Last evaluated: 2023-06-24. Review status: criteria provided, single submitter. Criteria: Ambry Variant Classification Scheme 2023. Collection method: clinical testing. Allele origin: germline.
Comment: The p.D1322E variant (also known as c.3966T>A), located in coding exon 29 of the NF1 gene, results from a T to A substitution at nucleotide position 3966. The aspartic acid at codon 1322 is replaced by glutamic acid, an amino acid with highly similar properties. This amino acid position is conserved. In addition, this alteration is predicted to be deleterious by in silico analysis. Since supporting evidence is limited at this time, the clinical significance of this alteration remains unclear.